The following is an entry in ClinVar:

ClinVar aggregate classification (germline): Likely benign. Review status: criteria provided, single submitter (1 of 4 stars). 2 submissions from 2 submitters: Likely benign (1). 1 of the submissions does not count toward it. Last evaluated 2024-02-23.

Conditions:
UBR1-related disorder. Also called: UBR1-related condition.

Allele frequency attached by ClinVar (database versions not stated): gnomAD 0.00001; gnomAD exomes 0.00001; TOPMed 0.00001.

Submissions (2):

Labcorp Genetics (formerly Invitae), Labcorp
Classification: Likely benign. Last evaluated: 2024-02-23. Review status: criteria provided, single submitter. Criteria: Invitae Variant Classification Sherloc (09022015). Collection method: clinical testing. Allele origin: germline.

PreventionGenetics, part of Exact Sciences
Classification: Likely benign for UBR1-related condition. Last evaluated: 2019-04-08. Review status: no assertion criteria provided. Collection method: clinical testing. Allele origin: germline. Not counted in ClinVar's aggregate classification.
Comment: This variant is classified as likely benign based on ACMG/AMP sequence variant interpretation guidelines (Richards et al. 2015 PMID: 25741868, with internal and published modifications).

NM_174916.3(UBR1):c.1282-5C>T

Gene: UBR1 (ubiquitin protein ligase E3 component n-recognin 1; minus strand). Cytogenetic location: 15q15.2.
Variant type: single nucleotide variant.
Coding change: c.1282-5C>T on transcript NM_174916.3 (MANE Select); 5 bases into the intron before coding-DNA position 1282, C replaced by T.
Molecular consequence: intron variant.
Genome position (GRCh38, 1-based): chr15:43,054,904, G>A on the plus strand (C>T on the coding strand, the complement: UBR1 is on the minus strand). VCF-style: chr15-43054904-G-A. GRCh37 (hg19) VCF-style: chr15-43347102-G-A.
Other names: c.1282-5C>T (NM_174916.2).
Identifiers: ClinVar variation 2880896 (VCV002880896.5), dbSNP rs1398939252, ClinGen allele CA617634197.